The following is an entry in ClinVar:

ClinVar aggregate classification (germline): Likely pathogenic (1 of 4 stars; one submission).

Conditions:
Hereditary cancer-predisposing syndrome. Also called: Tumor predisposition; Hereditary Cancer Syndrome; Hereditary neoplastic syndrome; Neoplastic Syndromes, Hereditary. Identifiers: Orphanet 140162, MedGen C0027672, MeSH D009386, MONDO:0015356.

Submissions (2):

Ambry Genetics
Classification: Likely pathogenic for Hereditary cancer-predisposing syndrome. Last evaluated: 2026-05-20. Review status: criteria provided, single submitter. Criteria: Ambry Variant Classification Scheme 2023. Collection method: clinical testing. Allele origin: germline.
Comment: The c.5468-9T>A intronic variant results from a T to A substitution 9 nucleotides upstream from coding exon 22 in the BRCA1 gene. This nucleotide position is highly conserved in available vertebrate species. One functional study found that this nucleotide substitution is non-functional in a high throughput genome editing haploid cell survival assay (Findlay GM et al. Nature, 2018 Oct;562:217-222). In silico splice site analysis predicts that this alteration will weaken the native splice acceptor site and will result in the creation or strengthening of a novel splice acceptor site. RNA studies have demonstrated that this variant results in abnormal splicing in the set of samples tested (Ambry internal data). This variant is considered to be rare based on population cohorts in the Genome Aggregation Database (gnomAD). Based on the majority of available evidence to date, this variant is likely to be pathogenic.

Brotman Baty Institute, University of Washington
No classification provided (evidence only). Condition: Breast-ovarian cancer, familial 1. Review status: no classification provided. Collection method: in vitro. Allele origin: not applicable. Functional consequence: functionally_abnormal. Not counted in ClinVar's aggregate classification.
ClinVar note: "not provided" was previously submitted as the classification for the variant. However, the classification appeared to be based only on an observation of functional data so it was converted to no classification on 2025-07-30.

Literature cited by the submitters: PubMed 30209399 (cited by Ambry Genetics).

NM_007294.4(BRCA1):c.5468-9T>A

Gene: BRCA1 (BRCA1 DNA repair associated; minus strand). Cytogenetic location: 17q21.31.
Variant type: single nucleotide variant.
Coding change: c.5468-9T>A on transcript NM_007294.4 (MANE Select); 9 bases into the intron before coding-DNA position 5468, T replaced by A.
Molecular consequence: intron variant.
Genome position (GRCh38, 1-based): chr17:43,045,811, A>T on the plus strand (T>A on the coding strand, the complement: BRCA1 is on the minus strand). VCF-style: chr17-43045811-A-T. GRCh37 (hg19) VCF-style: chr17-41197828-A-T.
Other names: c.5201-9T>A (NM_001407931.1, NM_001407932.1, NM_001407928.1 and 4 more transcripts); c.5324-9T>A (NM_001407747.1, NM_001407745.1, NM_001407737.1 and 18 more transcripts); c.5084-9T>A (NM_001407962.1, NM_001407960.1); c.1655-9T>A (NM_001408512.1); c.1778-9T>A (NM_001408510.1); c.5258-9T>A (NM_001407885.1, NM_001407886.1, NM_001407881.1 and 5 more transcripts); c.2012-9T>A (NM_001408470.1, NM_001408469.1, NM_001408468.1); c.5321-9T>A (NM_001407848.1, NM_001407839.1, NM_001407842.1 and 12 more transcripts); and 83 more.
Identifiers: ClinVar variation 864905 (VCV000864905.5), dbSNP rs2050891633, ClinGen allele CA916080717.